The following is an entry in ClinVar:

ClinVar aggregate classification (germline): Uncertain significance (1 of 4 stars; one submission).

Submission:

Labcorp Genetics (formerly Invitae), Labcorp
Classification: Uncertain significance. Last evaluated: 2022-10-12. Review status: criteria provided, single submitter. Criteria: Invitae Variant Classification Sherloc (09022015). Collection method: clinical testing. Allele origin: germline.
Comment: This sequence change results in a frameshift in the CACNA2D4 gene (p.Pro1057Argfs*112). While this is not anticipated to result in nonsense mediated decay, it is expected to disrupt the last 81 amino acid(s) of the CACNA2D4 protein and extend the protein by 30 additional amino acid residues. In summary, the available evidence is currently insufficient to determine the role of this variant in disease. Therefore, it has been classified as a Variant of Uncertain Significance. Experimental studies and prediction algorithms are not available or were not evaluated, and the functional significance of this variant is currently unknown. This variant has not been reported in the literature in individuals affected with CACNA2D4-related conditions. This variant is not present in population databases (gnomAD no frequency).

NM_172364.5(CACNA2D4):c.3169_3170insGGACC (p.Pro1057fs)

Gene: CACNA2D4 (calcium voltage-gated channel auxiliary subunit alpha2delta 4; minus strand). Cytogenetic location: 12p13.33.
Variant type: Insertion.
Coding change: c.3169_3170insGGACC on transcript NM_172364.5 (MANE Select); coding-DNA positions 3169 to 3170, GGACC inserted.
Protein change: p.Pro1057fs; shifts the reading frame from proline 1057.
Molecular consequence: frameshift variant.
Genome position: GRCh38 VCF-style: chr12-1795724-G-GGGTCC. GRCh37 (hg19) VCF-style: chr12-1904890-G-GGGTCC.
Other names: short protein forms P1057fs.
Identifiers: ClinVar variation 3004350 (VCV003004350.3), dbSNP rs2497681124, ClinGen allele CA2740092318.